The following is an entry in ClinVar:

NM_004415.4(DSP):c.1315G>A (p.Val439Ile)

Gene: DSP (desmoplakin; plus strand). Cytogenetic location: 6p24.3.
Variant type: single nucleotide variant.
Coding change: c.1315G>A on transcript NM_004415.4 (MANE Select); coding-DNA position 1315, G replaced by A.
Protein change: p.Val439Ile; replaces valine 439 with isoleucine.
Molecular consequence: missense variant.
Genome position (GRCh38, 1-based): chr6:7,568,485, G>A. VCF-style: chr6-7568485-G-A. GRCh37 (hg19) VCF-style: chr6-7568718-G-A.
Other names: c.1315G>A, p.Val439Ile (NM_001008844.3, NM_001319034.2); c.1315G>A (LRG_423t1); short protein forms V439I.
Identifiers: ClinVar variation 155787 (VCV000155787.3), dbSNP rs587782941, ClinGen allele CA004888.
Genomic context (GRCh38, chr6:7,568,485, plus strand): 5'-TCACCATTGCAGAAAGAACGAGAGAAAATCCTTGAATACAAGCGTCAGGTGCAGAACTTG[G>A]TAAACAAGTCTAAGAAGATTGTACAGCTGAAGCCTCGTAACCCAGACTACAGAAGCAATA-3'
Protein context (NP_004406.2, residues 429-449): LEYKRQVQNL[Val439Ile]NKSKKIVQLK

ClinVar aggregate classification (germline): Conflicting classifications of pathogenicity. Review status: criteria provided, conflicting classifications (1 of 4 stars). 2 submissions from 2 submitters: Uncertain significance (1); Likely benign (1). Last evaluated 2025-07-13.

Conditions:
Arrhythmogenic cardiomyopathy with wooly hair and keratoderma. Also called: Arrhythmogenic cardiomyopathy with woolly hair and keratoderma; Carvajal syndrome; PALMOPLANTAR KERATODERMA WITH LEFT VENTRICULAR CARDIOMYOPATHY AND WOOLLY HAIR; Dilated cardiomyopathy with woolly hair and keratoderma. Identifiers: Orphanet 65282, MedGen C1854063, MONDO:0011581, OMIM 605676.
Arrhythmogenic right ventricular dysplasia 8 (ARVD8). Also called: ARRHYTHMOGENIC RIGHT VENTRICULAR CARDIOMYOPATHY 8; Arrhythmogenic Right Ventricular Dysplasia/Cardiomyopathy 8; ARRHYTHMOGENIC RIGHT VENTRICULAR DYSPLASIA, FAMILIAL, 8. Identifiers: MedGen C1843896, MONDO:0011831, OMIM 607450.
Cardiomyopathy (CMYO). Also called: Cardiomyopathies. Identifiers: Orphanet 167848, MedGen C0878544, MONDO:0004994, HP:0001638. Inheritance: Various modes of inheritance.

Allele frequency attached by ClinVar (database versions not stated): gnomAD exomes below 0.00001.
gnomAD v4.1: 1 of 1,614,092 alleles (0.000062%); no homozygotes.

Submissions (2):

Labcorp Genetics (formerly Invitae), Labcorp
Classification: Likely benign for Arrhythmogenic cardiomyopathy with wooly hair and keratoderma; Arrhythmogenic right ventricular dysplasia 8. Last evaluated: 2025-07-13. Review status: criteria provided, single submitter. Criteria: Invitae Variant Classification Sherloc (09022015). Collection method: clinical testing. Allele origin: germline.

Color Diagnostics, LLC DBA Color Health
Classification: Uncertain significance for Cardiomyopathy. Last evaluated: 2025-06-26. Review status: criteria provided, single submitter. Criteria: ACMG Guidelines, 2015. Collection method: clinical testing. Allele origin: germline.
Comment: This missense variant replaces valine with isoleucine at codon 439 of the DSP protein. Computational prediction suggests that this variant may not impact protein structure and function. To our knowledge, functional studies have not been reported for this variant. This variant has not been reported in individuals affected with DSP-related disorders in the literature. This variant has been identified in 1/251286 chromosomes in the general population by the Genome Aggregation Database (gnomAD). The available evidence is insufficient to determine the role of this variant in disease conclusively. Therefore, this variant is classified as a Variant of Uncertain Significance.